The following is an entry in ClinVar:

NM_004752.4(GCM2):c.751C>G (p.Gln251Glu)

Gene: GCM2 (glial cells missing transcription factor 2; minus strand). Cytogenetic location: 6p24.2.
Variant type: single nucleotide variant.
Coding change: c.751C>G on transcript NM_004752.4 (MANE Select); coding-DNA position 751, C replaced by G.
Protein change: p.Gln251Glu; replaces glutamine 251 with glutamic acid.
Molecular consequence: missense variant.
Genome position (GRCh38, 1-based): chr6:10,874,765, G>C on the plus strand (C>G on the coding strand, the complement: GCM2 is on the minus strand). VCF-style: chr6-10874765-G-C. GRCh37 (hg19) VCF-style: chr6-10874998-G-C.
Other names: short protein forms Q251E.
Identifiers: ClinVar variation 375599 (VCV000375599.2), dbSNP rs1057519581.
Genomic context (GRCh38, chr6:10,874,765, plus strand): 5'-GCCTAGGCAAATAGATTCTTGGGCTTGAGTATTTCTGGAAGGGTGGCATTTTGTCTCCTT[G>C]AAAGGTGGCTAGGTCACAGGTAGCTTTGTAAACATCAGACTTTGGGAAGGAAGGGCAAGG-3'
Protein context (NP_004743.1, residues 241-261): YKATCDLATF[Gln251Glu]GDKMPPFQKY

ClinVar aggregate classification (germline): Uncertain significance (1 of 4 stars; one submission).

Allele frequency attached by ClinVar (database versions not stated): gnomAD exomes below 0.00001.
gnomAD v4.1: 1 of 1,614,086 alleles (0.000062%); highest among the groups gnomAD compares: Non-Finnish European, 0.000085%; no homozygotes.

Submission:

GeneDx
Classification: Uncertain significance. Last evaluated: 2025-03-27. Review status: criteria provided, single submitter. Criteria: GeneDx Variant Classification Process June 2021. Collection method: clinical testing. Allele origin: germline. Affected: yes.
Comment: Reported in cis with p.(L379Q) in two unrelated kindreds with familial isolated hyperparathyroidism (PMID: 27745835); Not observed at significant frequency in large population cohorts (gnomAD); In silico analysis indicates that this missense variant does not alter protein structure/function; This variant is associated with the following publications: (PMID: 37362385, Mandal2023[article], 27745835, 29264504)